The following is an entry in ClinVar:

NM_025114.4(CEP290):c.2631_2632del (p.Lys877fs)

Gene: CEP290 (centrosomal protein 290; minus strand). Cytogenetic location: 12q21.32.
Variant type: Deletion.
Coding change: c.2631_2632del on transcript NM_025114.4 (MANE Select); coding-DNA positions 2631 to 2632, 2 bases deleted (AA; older notation c.2631_2632delAA).
Protein change: p.Lys877fs; shifts the reading frame from lysine 877.
Molecular consequence: frameshift variant.
Genome position (GRCh38, 1-based): chr12:88,106,860-88,106,861, TT deleted on the plus strand (AA on the coding strand, the reverse complement: CEP290 is on the minus strand); deleting any 2 consecutive bases within chr12:88,106,860-88,106,866 gives the same sequence; the c. name uses the placement nearest the transcript's 3' end. VCF-style (leftmost placement, unchanged base first): chr12-88106859-ATT-A. GRCh37 (hg19) VCF-style: chr12-88500636-ATT-A.
Other names: c.2631_2632del (NM_025114.3); short protein forms K877fs.
Identifiers: ClinVar variation 4081238 (VCV004081238.2).

ClinVar aggregate classification (germline): Likely pathogenic. Review status: criteria provided, multiple submitters, no conflicts (2 of 4 stars). 2 submissions from 2 submitters: Likely pathogenic (2). Last evaluated 2025-07-23.

Conditions:
Leber congenital amaurosis (LCA). Also called: Leber's amaurosis. Identifiers: Orphanet 65, MedGen C0339527, MeSH D057130, MONDO:0018998.

Submissions (2):

Natera, Inc.
Classification: Likely pathogenic for Leber congenital amaurosis. Last evaluated: 2025-07-23. Review status: criteria provided, single submitter. Criteria: Natera Variant Classification Schema (03/2026). Collection method: clinical testing. Allele origin: germline.
Comment: The c.2631_2632del variant in CEP290 is a frameshift variant predicted to shift the reading frame beginning at codon 877 and leads to a stop codon 6 codons downstream. This variant is expected to result in nonsense mediated decay, truncation, or a dysfunctional protein product. This variant is rare in the general population with a frequency below the threshold expected for the associated phenotype(s). Given the available evidence, this variant is classified as Likely Pathogenic.

Revvity Omics, Revvity
Classification: Likely pathogenic. Last evaluated: 2024-02-20. Review status: criteria provided, single submitter. Criteria: ACMG Guidelines, 2015. Collection method: clinical testing. Allele origin: germline.